The following is an entry in ClinVar:

NM_001395656.1(ROBO2):c.3706A>C (p.Arg1236=)

Gene: ROBO2 (roundabout guidance receptor 2; plus strand). Cytogenetic location: 3p12.3.
Variant type: single nucleotide variant.
Coding change: c.3706A>C on transcript NM_001395656.1 (MANE Select); coding-DNA position 3706, A replaced by C.
Protein change: p.Arg1236=; no amino-acid change (arginine 1236 retained).
Molecular consequence: synonymous variant.
Genome position (GRCh38, 1-based): chr3:77,622,366, A>C. VCF-style: chr3-77622366-A-C. GRCh37 (hg19) VCF-style: chr3-77671517-A-C.
Other names: c.3742A>C, p.Arg1248= (NM_001128929.3); c.3706A>C, p.Arg1236= (NM_001290039.2, NM_001290040.2); c.1915A>C, p.Arg639= (NM_001290065.2); c.3754A>C, p.Arg1252= (NM_001378190.1, NM_001378200.1, NM_001378201.1 and 1 more transcripts); c.3880A>C, p.Arg1294= (NM_001378191.1, NM_001378195.1, NM_001378196.1); c.3775A>C, p.Arg1259= (NM_001378192.1, NM_001378198.1, NM_001378199.1); c.3694A>C, p.Arg1232= (NM_001378193.1, NM_002942.5); c.3892A>C, p.Arg1298= (NM_001378194.1); and 5 more.
Identifiers: ClinVar variation 3257527 (VCV003257527.17).

ClinVar aggregate classification (germline): Uncertain significance (1 of 4 stars; one submission).

Submission:

CeGaT Center for Human Genetics Tuebingen
Classification: Uncertain significance. Last evaluated: 2024-07-01. Review status: criteria provided, single submitter. Criteria: CeGaT Center For Human Genetics Tuebingen Variant Classification Criteria Version 2. Collection method: clinical testing. Allele origin: germline. Affected: yes. Observed: 1 variant allele.
Comment: ROBO2: PM2:Supporting, BP4